The following is an entry in ClinVar:

NM_144670.6(A2ML1):c.2978T>C (p.Leu993Pro)

Gene: A2ML1 (alpha-2-macroglobulin like 1; plus strand). Cytogenetic location: 12p13.31.
Variant type: single nucleotide variant.
Coding change: c.2978T>C on transcript NM_144670.6 (MANE Select); coding-DNA position 2978, T replaced by C.
Protein change: p.Leu993Pro; replaces leucine 993 with proline.
Molecular consequence: missense variant.
Genome position (GRCh38, 1-based): chr12:8,857,293, T>C. VCF-style: chr12-8857293-T-C. GRCh37 (hg19) VCF-style: chr12-9009889-T-C.
Other names: c.1505T>C, p.Leu502Pro (NM_001282424.3); short protein forms L502P, L993P.
Identifiers: ClinVar variation 4805079 (VCV004805079.1).

ClinVar aggregate classification (germline): Uncertain significance (1 of 4 stars; one submission).

Submission:

Labcorp Genetics (formerly Invitae), Labcorp
Classification: Uncertain significance. Last evaluated: 2025-11-25. Review status: criteria provided, single submitter. Criteria: Invitae Variant Classification Sherloc (09022015). Collection method: clinical testing. Allele origin: germline.
Comment: This sequence change replaces leucine, which is neutral and non-polar, with proline, which is neutral and non-polar, at codon 993 of the A2ML1 protein (p.Leu993Pro). This variant is not present in population databases (gnomAD no frequency). This variant has not been reported in the literature in individuals affected with A2ML1-related conditions. An algorithm developed to predict the effect of missense changes on protein structure and function (PolyPhen-2) suggests that this variant is likely to be disruptive. In summary, the available evidence is currently insufficient to determine the role of this variant in disease. Therefore, it has been classified as a Variant of Uncertain Significance.